The following is an entry in ClinVar:

NM_004937.3(CTNS):c.790C>T (p.Gln264Ter)

Gene: CTNS (cystinosin, lysosomal cystine transporter; plus strand). Cytogenetic location: 17p13.2.
Variant type: single nucleotide variant.
Coding change: c.790C>T on transcript NM_004937.3 (MANE Select); coding-DNA position 790, C replaced by T.
Protein change: p.Gln264Ter; replaces glutamine 264 with a stop codon.
Molecular consequence: nonsense.
Genome position (GRCh38, 1-based): chr17:3,658,113, C>T. VCF-style: chr17-3658113-C-T. GRCh37 (hg19) VCF-style: chr17-3561407-C-T.
Other names: c.790C>T, p.Gln264Ter (NM_001031681.3, NM_001374492.1); c.349C>T, p.Gln117Ter (NM_001374493.1, NM_001374494.1, NM_001374495.1 and 1 more transcripts); short protein forms Q117*, Q264*.
Identifiers: ClinVar variation 958766 (VCV000958766.10), dbSNP rs2076198741, ClinGen allele CA397692553.

ClinVar aggregate classification (germline): Pathogenic (1 of 4 stars; one submission).

Conditions:
Inborn genetic diseases. Identifiers: MedGen C0950123, MeSH D030342.
Ocular cystinosis. Also called: Non-Nephropathic Cystinosis; Non-Nephropathic (Ocular) Cystinosis. Identifiers: Orphanet 213, Orphanet 411641, MedGen C2931013, MONDO:0009064, OMIM 219750.
Juvenile nephropathic cystinosis. Also called: Intermediate Cystinosis; CYSTINOSIS, LATE-ONSET JUVENILE OR ADOLESCENT NEPHROPATHIC TYPE; Later-Onset (Juvenile) Cystinosis. Identifiers: Orphanet 213, Orphanet 411634, MedGen C0268626, MONDO:0009066, OMIM 219900.

Submission:

Labcorp Genetics (formerly Invitae), Labcorp
Classification: Pathogenic for Inborn genetic diseases; Ocular cystinosis; Juvenile nephropathic cystinosis. Last evaluated: 2022-10-17. Review status: criteria provided, single submitter. Criteria: Invitae Variant Classification Sherloc (09022015). Collection method: clinical testing. Allele origin: germline.
Comment: This sequence change creates a premature translational stop signal (p.Gln264*) in the CTNS gene. It is expected to result in an absent or disrupted protein product. Loss-of-function variants in CTNS are known to be pathogenic (PMID: 9537412, 27102039). This variant is not present in population databases (gnomAD no frequency). This variant has not been reported in the literature in individuals affected with CTNS-related conditions. ClinVar contains an entry for this variant (Variation ID: 958766). Algorithms developed to predict the effect of sequence changes on RNA splicing suggest that this variant may disrupt the consensus splice site. For these reasons, this variant has been classified as Pathogenic.

Literature cited by the submitters: PubMed 9537412; PubMed 27102039.